The following is an entry in ClinVar:

ClinVar aggregate classification (germline): Uncertain significance (1 of 4 stars; one submission).

Conditions:
Mitochondrial complex II deficiency, nuclear type 1. Also called: SUCCINATE CoQ REDUCTASE DEFICIENCY. Identifiers: Orphanet 3208, MedGen C5700310, MONDO:0100294, OMIM 252011.
Pheochromocytoma/paraganglioma syndrome 5. Also called: Paragangliomas 5; SDHA-Related Hereditary Paraganglioma-Pheochromocytoma Syndrome. Identifiers: Orphanet 29072, MedGen C3279992, MONDO:0013602, OMIM 614165.

Submission:

Labcorp Genetics (formerly Invitae), Labcorp
Classification: Uncertain significance for Pheochromocytoma/paraganglioma syndrome 5; Mitochondrial complex II deficiency, nuclear type 1. Last evaluated: 2025-11-03. Review status: criteria provided, single submitter. Criteria: Invitae Variant Classification Sherloc (09022015). Collection method: clinical testing. Allele origin: germline.
Comment: This sequence change replaces histidine, which is basic and polar, with leucine, which is neutral and non-polar, at codon 369 of the SDHA protein (p.His369Leu). This variant is not present in population databases (gnomAD no frequency). This variant has not been reported in the literature in individuals affected with SDHA-related conditions. ClinVar contains an entry for this variant (Variation ID: 2943655). Invitae Evidence Modeling of protein sequence and biophysical properties (such as structural, functional, and spatial information, amino acid conservation, physicochemical variation, residue mobility, and thermodynamic stability) indicates that this missense variant is not expected to disrupt SDHA protein function with a negative predictive value of 95%. In summary, the available evidence is currently insufficient to determine the role of this variant in disease. Therefore, it has been classified as a Variant of Uncertain Significance.

NM_004168.4(SDHA):c.1106A>T (p.His369Leu)

Gene: SDHA (succinate dehydrogenase complex flavoprotein subunit A; plus strand). Cytogenetic location: 5p15.33.
Variant type: single nucleotide variant.
Coding change: c.1106A>T on transcript NM_004168.4 (MANE Select); coding-DNA position 1106, A replaced by T.
Protein change: p.His369Leu; replaces histidine 369 with leucine.
Molecular consequence: missense variant.
Genome position (GRCh38, 1-based): chr5:235,185, A>T. VCF-style: chr5-235185-A-T. GRCh37 (hg19) VCF-style: chr5-235300-A-T.
Other names: c.962A>T, p.His321Leu (NM_001294332.2); c.1106A>T, p.His369Leu (NM_001330758.2); short protein forms H321L, H369L.
Identifiers: ClinVar variation 2943655 (VCV002943655.3), dbSNP rs2477362700, ClinGen allele CA359013468.